The following is an entry in ClinVar:

ClinVar aggregate classification (germline): Conflicting classifications of pathogenicity. Review status: criteria provided, conflicting classifications (1 of 4 stars). 3 submissions from 3 submitters: Uncertain significance (1); Likely benign (2). Last evaluated 2026-06-25.

Conditions:
Very long chain acyl-CoA dehydrogenase deficiency (ACADVLD). Also called: Very Long-Chain Acyl-Coenzyme A Dehydrogenase Deficiency; VLCAD Deficiency. Identifiers: Orphanet 26793, MedGen C3887523, MONDO:0008723, OMIM 201475.
ACADVL-related disorder. Also called: ACADVL-related condition.

Allele frequency attached by ClinVar (database versions not stated): gnomAD 0.00007 and 0.00008; gnomAD exomes 0.00010 and 0.00023; TOPMed 0.00015; ExAC 0.00021.

Submissions (3):

PreventionGenetics, part of Exact Sciences
Classification: Likely benign for ACADVL-related condition. Last evaluated: 2026-06-25. Review status: criteria provided, single submitter. Criteria: ACMG Guidelines, 2015. Collection method: clinical testing. Allele origin: germline.
Comment: This variant is classified as likely benign based on ACMG/AMP sequence variant interpretation guidelines (Richards et al. 2015 PMID: 25741868, with internal and published modifications).

Labcorp Genetics (formerly Invitae), Labcorp
Classification: Likely benign for Very long chain acyl-CoA dehydrogenase deficiency. Last evaluated: 2023-02-24. Review status: criteria provided, single submitter. Criteria: Invitae Variant Classification Sherloc (09022015). Collection method: clinical testing. Allele origin: germline.

Illumina Laboratory Services, Illumina
Classification: Uncertain significance for Very long chain acyl-CoA dehydrogenase deficiency. Last evaluated: 2018-01-13. Review status: criteria provided, single submitter. Criteria: ICSL Variant Classification Criteria 13 December 2019. Collection method: clinical testing. Allele origin: germline.

NM_000018.4(ACADVL):c.205-7T>C

Gene: ACADVL (acyl-CoA dehydrogenase very long chain; plus strand). Cytogenetic location: 17p13.1.
Variant type: single nucleotide variant.
Coding change: c.205-7T>C on transcript NM_000018.4 (MANE Select); 7 bases into the intron before coding-DNA position 205, T replaced by C.
Molecular consequence: intron variant.
Genome position (GRCh38, 1-based): chr17:7,220,597, T>C. VCF-style: chr17-7220597-T-C. GRCh37 (hg19) VCF-style: chr17-7123916-T-C.
Other names: c.274-7T>C (NM_001270447.2); c.-24-7T>C (NM_001270448.2); c.139-7T>C (NM_001033859.3).
Identifiers: ClinVar variation 324985 (VCV000324985.10), dbSNP rs760625298, ClinGen allele CA8337599.